The following is an entry in ClinVar:

NM_203447.4(DOCK8):c.3040G>C (p.Asp1014His)

Gene: DOCK8 (dedicator of cytokinesis 8; plus strand). Cytogenetic location: 9p24.3.
Variant type: single nucleotide variant.
Coding change: c.3040G>C on transcript NM_203447.4 (MANE Select); coding-DNA position 3040, G replaced by C.
Protein change: p.Asp1014His; replaces aspartic acid 1014 with histidine.
Molecular consequence: missense variant.
Genome position (GRCh38, 1-based): chr9:396,854, G>C. VCF-style: chr9-396854-G-C. GRCh37 (hg19) VCF-style: chr9-396854-G-C.
Other names: c.2740G>C, p.Asp914His (NM_001190458.2); c.2836G>C, p.Asp946His (NM_001193536.2); short protein forms D914H, D1014H, D946H.
Identifiers: ClinVar variation 954904 (VCV000954904.9), dbSNP rs1361221950, ClinGen allele CA372752980.

ClinVar aggregate classification (germline): Uncertain significance (1 of 4 stars; one submission).

Allele frequency attached by ClinVar (database versions not stated): gnomAD exomes below 0.00001 and 0.00001.
gnomAD v4.1: 12 of 1,614,080 alleles (0.00074%); highest among the groups gnomAD compares: Non-Finnish European, 0.001%; no homozygotes.

Submission:

Labcorp Genetics (formerly Invitae), Labcorp
Classification: Uncertain significance for Combined immunodeficiency due to DOCK8 deficiency. Last evaluated: 2019-11-06. Review status: criteria provided, single submitter. Criteria: Invitae Variant Classification Sherloc (09022015). Collection method: clinical testing. Allele origin: germline.
Comment: This variant is not present in population databases (ExAC no frequency). Algorithms developed to predict the effect of missense changes on protein structure and function are either unavailable or do not agree on the potential impact of this missense change (SIFT: "Tolerated"; PolyPhen-2: "Probably Damaging"; Align-GVGD: "Class C0"). This variant has not been reported in the literature in individuals with DOCK8-related conditions. This sequence change replaces aspartic acid with histidine at codon 1014 of the DOCK8 protein (p.Asp1014His). The aspartic acid residue is highly conserved and there is a moderate physicochemical difference between aspartic acid and histidine. In summary, the available evidence is currently insufficient to determine the role of this variant in disease. Therefore, it has been classified as a Variant of Uncertain Significance.